The following is an entry in ClinVar:

ClinVar aggregate classification (germline): Uncertain significance (1 of 4 stars; one submission).

Conditions:
Myofibrillar myopathy 5. Also called: Filaminopathy (type); FILAMINOPATHY, AUTOSOMAL DOMINANT. Identifiers: Orphanet 171445, MedGen C1836050, MONDO:0012289, OMIM 609524.
Distal myopathy with posterior leg and anterior hand involvement. Also called: WILLIAMS DISTAL MYOPATHY. Identifiers: Orphanet 63273, MedGen C3279722, MONDO:0013550, OMIM 614065.
Hypertrophic cardiomyopathy 26. Also called: Cardiomyopathy, familial hypertrophic, 26. Identifiers: Orphanet 75249, MedGen C4310749, MONDO:0014883, OMIM 617047.

Allele frequency attached by ClinVar (database versions not stated): gnomAD exomes below 0.00001; ExAC 0.00001.
gnomAD v4.1: 2 of 1,606,464 alleles (0.00012%); highest among the groups gnomAD compares: Admixed American, 0.0017%; no homozygotes.

Submission:

Labcorp Genetics (formerly Invitae), Labcorp
Classification: Uncertain significance for Distal myopathy with posterior leg and anterior hand involvement; Myofibrillar myopathy 5; Hypertrophic cardiomyopathy 26. Last evaluated: 2023-05-29. Review status: criteria provided, single submitter. Criteria: Invitae Variant Classification Sherloc (09022015). Collection method: clinical testing. Allele origin: germline.
Comment: In summary, the available evidence is currently insufficient to determine the role of this variant in disease. Therefore, it has been classified as a Variant of Uncertain Significance. Variants that disrupt the consensus splice site are a relatively common cause of aberrant splicing (PMID: 17576681, 9536098). Algorithms developed to predict the effect of sequence changes on RNA splicing suggest that this variant may disrupt the consensus splice site. This variant has not been reported in the literature in individuals affected with FLNC-related conditions. This variant is present in population databases (rs772680814, gnomAD 0.003%). This sequence change falls in intron 40 of the FLNC gene. It does not directly change the encoded amino acid sequence of the FLNC protein. It affects a nucleotide within the consensus splice site.

Literature cited by the submitters: PubMed 17576681; PubMed 9536098.

NM_001458.5(FLNC):c.6727+5G>A

Genes: FLNC (filamin C; plus strand), FLNC-AS1 (FLNC antisense RNA 1; minus strand). Cytogenetic location: 7q32.1.
Variant type: single nucleotide variant.
Coding change: c.6727+5G>A on transcript NM_001458.5 (MANE Select); 5 bases into the intron after coding-DNA position 6727, G replaced by A.
Molecular consequence: intron variant.
Genome position (GRCh38, 1-based): chr7:128,854,221, G>A. VCF-style: chr7-128854221-G-A. GRCh37 (hg19) VCF-style: chr7-128494275-G-A.
Other names: c.6628+5G>A (NM_001127487.2).
Identifiers: ClinVar variation 2934660 (VCV002934660.3), dbSNP rs772680814, ClinGen allele CA4476057.